The following is an entry in ClinVar:

ClinVar aggregate classification (germline): Uncertain significance (1 of 4 stars; one submission).

Allele frequency attached by ClinVar (database versions not stated): gnomAD exomes below 0.00001.
gnomAD v4.1: 1 of 1,614,088 alleles (0.000062%); highest among the groups gnomAD compares: Non-Finnish European, 0.000085%; no homozygotes.

Submission:

Labcorp Genetics (formerly Invitae), Labcorp
Classification: Uncertain significance. Last evaluated: 2022-12-02. Review status: criteria provided, single submitter. Criteria: Invitae Variant Classification Sherloc (09022015). Collection method: clinical testing. Allele origin: germline.
Comment: This sequence change replaces tyrosine, which is neutral and polar, with histidine, which is basic and polar, at codon 1607 of the DSCAML1 protein (p.Tyr1607His). This variant is not present in population databases (gnomAD no frequency). This variant has not been reported in the literature in individuals affected with DSCAML1-related conditions. Algorithms developed to predict the effect of missense changes on protein structure and function (SIFT, PolyPhen-2, Align-GVGD) all suggest that this variant is likely to be disruptive. In summary, the available evidence is currently insufficient to determine the role of this variant in disease. Therefore, it has been classified as a Variant of Uncertain Significance.

NM_020693.4(DSCAML1):c.4639T>C (p.Tyr1547His)

Gene: DSCAML1 (DS cell adhesion molecule like 1; minus strand). Cytogenetic location: 11q23.3.
Variant type: single nucleotide variant.
Coding change: c.4639T>C on transcript NM_020693.4 (MANE Select); coding-DNA position 4639, T replaced by C.
Protein change: p.Tyr1547His; replaces tyrosine 1547 with histidine.
Molecular consequence: missense variant.
Genome position (GRCh38, 1-based): chr11:117,437,203, A>G on the plus strand (T>C on the coding strand, the complement: DSCAML1 is on the minus strand). VCF-style: chr11-117437203-A-G. GRCh37 (hg19) VCF-style: chr11-117307919-A-G.
Other names: short protein forms Y1547H.
Identifiers: ClinVar variation 2818021 (VCV002818021.3), dbSNP rs2542992958, ClinGen allele CA382758666.